The following is an entry in ClinVar:

NM_000110.4(DPYD):c.2194del (p.Val732fs)

Genes: DPYD (dihydropyrimidine dehydrogenase; minus strand), DPYD-AS1 (DPYD antisense RNA 1; plus strand). Cytogenetic location: 1p21.3.
Variant type: Deletion.
Coding change: c.2194del on transcript NM_000110.4 (MANE Select); coding-DNA position 2194, one base deleted (G; older notation c.2194delG).
Protein change: p.Val732fs; shifts the reading frame from valine 732.
Molecular consequence: frameshift variant.
Genome position (GRCh38, 1-based): chr1:97,305,364, C deleted on the plus strand (G on the coding strand, the reverse complement: DPYD is on the minus strand). VCF-style (leftmost placement, unchanged base first): chr1-97305363-AC-A. GRCh37 (hg19) VCF-style: chr1-97770919-AC-A.
Other names: short protein forms V732fs.
Identifiers: ClinVar variation 5004327 (VCV005004327.1).

ClinVar aggregate classification (germline): Pathogenic (1 of 4 stars; one submission).

Conditions:
Dihydropyrimidine dehydrogenase deficiency (DPYDD). Also called: DPD DEFICIENCY; DPYD DEFICIENCY; Hereditary Thymine-Uraciluria. Identifiers: Orphanet 1675, MedGen C1959620, MONDO:0010130, OMIM 274270.

Submission:

Myriad Genetics, Inc.
Classification: Pathogenic for Dihydropyrimidine dehydrogenase deficiency. Last evaluated: 2025-12-12. Review status: criteria provided, single submitter. Criteria: Myriad Autosomal Dominant, Autosomal Recessive and X-Linked Classification Criteria (2023). Collection method: clinical testing. Allele origin: unknown.
Comment: NM_000110.3(DPYD):c.2194delG(V732Lfs*10) is a frameshift variant classified as pathogenic in the context of dihydropyrimidine dehydrogenase deficiency. V732Lfs*10 has not been observed in cases with relevant disease. Relevant functional assessments of this variant are not available in the literature. V732Lfs*10 has not been observed in referenced population frequency databases. In summary, NM_000110.3(DPYD):c.2194delG(V732Lfs*10) is a frameshift variant in a gene where loss of function is a known mechanism of disease and is predicted to disrupt protein function. Please note: this variant was assessed in the context of healthy population screening.